The following is an entry in ClinVar:

ClinVar aggregate classification (germline): Uncertain significance. Review status: criteria provided, multiple submitters, no conflicts (2 of 4 stars). 5 submissions from 5 submitters: Uncertain significance (4). 1 of the submissions does not count toward it. Last evaluated 2026-03-27.

Conditions:
Walker-Warburg congenital muscular dystrophy. Also called: Muscular dystrophy-dystroglycanopathy, type A; Walker-Warburg syndrome. Identifiers: Orphanet 899, MedGen C0265221, MONDO:0000171.
Autosomal recessive limb-girdle muscular dystrophy type 2K. Also called: MUSCULAR DYSTROPHY, LIMB-GIRDLE, TYPE 2K; MUSCULAR DYSTROPHY-DYSTROGLYCANOPATHY (LIMB-GIRDLE), TYPE C, 1. Identifiers: Orphanet 86812, MedGen C1836373, MONDO:0012248, OMIM 609308.
Muscular dystrophy-dystroglycanopathy (congenital with impaired intellectual development), type B, 1. Also called: MUSCULAR DYSTROPHY, CONGENITAL, POMT1-RELATED; Muscular dystrophy-dystroglycanopathy (congenital with intellectual disability), type B1. Identifiers: MedGen C5436962, MONDO:0013159, OMIM 613155.
POMT1-related disorder. Also called: POMT1-related condition; POMT1-related disorders.
Inborn genetic diseases. Identifiers: MedGen C0950123, MeSH D030342.

Allele frequency attached by ClinVar (database versions not stated): gnomAD exomes 0.00003; ExAC 0.00004; gnomAD 0.00021 and 0.00019; TOPMed 0.00019; ESP Exome Variant Server 0.00023.
gnomAD v4.1: 66 of 1,613,650 alleles (0.0041%); highest among the groups gnomAD compares: African/African-American, 0.075%; no homozygotes.

Submissions (5):

GeneDx
Classification: Uncertain significance. Last evaluated: 2026-03-27. Review status: criteria provided, single submitter. Criteria: GeneDx Variant Classification Process June 2021. Collection method: clinical testing. Allele origin: germline.
Comment: In silico analysis supports that this missense variant has a deleterious effect on protein structure/function; Has not been previously published as pathogenic or benign to our knowledge

Ambry Genetics
Classification: Uncertain significance for Inborn genetic diseases. Last evaluated: 2025-08-19. Review status: criteria provided, single submitter. Criteria: Ambry Variant Classification Scheme 2023. Collection method: clinical testing. Allele origin: germline.

Labcorp Genetics (formerly Invitae), Labcorp
Classification: Uncertain significance for Muscular dystrophy-dystroglycanopathy (congenital with impaired intellectual development), type B, 1; Walker-Warburg congenital muscular dystrophy; Autosomal recessive limb-girdle muscular dystrophy type 2K. Last evaluated: 2022-08-15. Review status: criteria provided, single submitter. Criteria: Invitae Variant Classification Sherloc (09022015). Collection method: clinical testing. Allele origin: germline.
Comment: This sequence change replaces tyrosine, which is neutral and polar, with cysteine, which is neutral and slightly polar, at codon 502 of the POMT1 protein (p.Tyr502Cys). This variant is present in population databases (rs145464516, gnomAD 0.05%). This variant has not been reported in the literature in individuals affected with POMT1-related conditions. ClinVar contains an entry for this variant (Variation ID: 856405). Algorithms developed to predict the effect of missense changes on protein structure and function are either unavailable or do not agree on the potential impact of this missense change (SIFT: "Tolerated"; PolyPhen-2: "Possibly Damaging"; Align-GVGD: "Class C0"). In summary, the available evidence is currently insufficient to determine the role of this variant in disease. Therefore, it has been classified as a Variant of Uncertain Significance.

Revvity Omics, Revvity
Classification: Uncertain significance. Last evaluated: 2019-06-20. Review status: criteria provided, single submitter. Criteria: ACMG Guidelines, 2015. Collection method: clinical testing. Allele origin: germline.

PreventionGenetics, part of Exact Sciences
Classification: Uncertain significance for POMT1-related condition. Last evaluated: 2024-05-30. Review status: no assertion criteria provided. Collection method: clinical testing. Allele origin: germline. Not counted in ClinVar's aggregate classification.
Comment: The POMT1 c.1505A>G variant is predicted to result in the amino acid substitution p.Tyr502Cys. To our knowledge, this variant has not been reported in the literature. This variant is reported in 0.048% of alleles in individuals of African descent in gnomAD. Although we suspect that this variant may be benign, the clinical significance of this variant is classified as uncertain at this time due to insufficient functional and genetic evidence.

NM_001077365.2(POMT1):c.1439A>G (p.Tyr480Cys)

Gene: POMT1 (protein O-mannosyltransferase 1; plus strand). Cytogenetic location: 9q34.13.
Variant type: single nucleotide variant.
Coding change: c.1439A>G on transcript NM_001077365.2 (MANE Select); coding-DNA position 1439, A replaced by G.
Protein change: p.Tyr480Cys; replaces tyrosine 480 with cysteine.
Molecular consequence: missense variant. On other transcripts: non-coding transcript variant (10), intron variant (1).
Genome position (GRCh38, 1-based): chr9:131,518,910, A>G. VCF-style: chr9-131518910-A-G. GRCh37 (hg19) VCF-style: chr9-134394297-A-G.
Other names: c.1277A>G, p.Tyr426Cys (NM_001077366.2, NM_001353194.2); c.1439A>G, p.Tyr480Cys (NM_001136113.2); c.1088A>G, p.Tyr363Cys (NM_001136114.2, NM_001353195.2, NM_001374691.1 and 2 more transcripts); c.1505A>G, p.Tyr502Cys (NM_001353193.2, NM_007171.4); c.1349A>G, p.Tyr450Cys (NM_001353196.2); c.1343A>G, p.Tyr448Cys (NM_001353197.2, NM_001353198.2); c.1154A>G, p.Tyr385Cys (NM_001353199.2); c.983A>G, p.Tyr328Cys (NM_001353200.2); and 3 more; short protein forms Y328C, Y385C, Y426C, Y450C, Y480C, Y502C, Y476C, Y350C.
Identifiers: ClinVar variation 856405 (VCV000856405.18), dbSNP rs145464516, ClinGen allele CA5293694.
Genomic context (GRCh38, chr9:131,518,910, plus strand): 5'-ACCTCCCTGACTGGGGGTATCGGCAACTGGAGATCGTCGGGGAGAAGCTGTCCCGGGGCT[A>G]CCACGGGAGCACGGTGTGGAACGTGGAGGAGCACCGATACGGCGCGAGTGAGTCCGCGGC-3'
Protein context (NP_001070833.1, residues 470-490): EIVGEKLSRG[Tyr480Cys]HGSTVWNVEE